The following is an entry in ClinVar:

ClinVar aggregate classification (germline): Uncertain significance (1 of 4 stars; one submission).

Submission:

CeGaT Center for Human Genetics Tuebingen
Classification: Uncertain significance. Last evaluated: 2024-04-01. Review status: criteria provided, single submitter. Criteria: CeGaT Center For Human Genetics Tuebingen Variant Classification Criteria Version 2. Collection method: clinical testing. Allele origin: germline. Affected: yes. Observed: 1 variant allele.
Comment: TDRD7: PM2, PM4

NM_014290.3(TDRD7):c.419_427dup (p.Pro142_Leu143insSerAlaPro)

Gene: TDRD7 (tudor domain containing 7; plus strand). Cytogenetic location: 9q22.33.
Variant type: Duplication.
Coding change: c.419_427dup on transcript NM_014290.3 (MANE Select); coding-DNA positions 419 to 427, 9 bases duplicated (CAGCACCGT; older notation c.419_427dupCAGCACCGT).
Protein change: p.Pro142_Leu143insSerAlaPro.
Molecular consequence: inframe insertion.
Genome position (GRCh38, 1-based): chr9:97,432,094-97,432,102, CAGCACCGT duplicated. VCF-style (leftmost placement, unchanged base first): chr9-97432093-C-CCAGCACCGT. GRCh37 (hg19) VCF-style: chr9-100194375-C-CCAGCACCGT.
Other names: c.197_205dup, p.Pro68_Leu69insSerAlaPro (NM_001302884.2).
Identifiers: ClinVar variation 3234759 (VCV003234759.20), dbSNP rs2490585220, ClinGen allele CA2825001636.
Genomic context (GRCh38, chr9:97,432,093, plus strand): 5'-AAAGCAACCCTCAGACAACCAGGATTTGCTTCAAATTTTTCTGTTGGCAAAAAACCTAAT[C>CCAGCACCGT]CAGCACCGTTAAGAGACAAAGGAAACTCTGTTGGAGTTAAGCCTGATGCTGAAATGTCTC-3'